The following is an entry in ClinVar:

NM_001040142.2(SCN2A):c.4004C>A (p.Pro1335Gln)

Gene: SCN2A (sodium voltage-gated channel alpha subunit 2; plus strand). Cytogenetic location: 2q24.3.
Variant type: single nucleotide variant.
Coding change: c.4004C>A on transcript NM_001040142.2 (MANE Select); coding-DNA position 4004, C replaced by A.
Protein change: p.Pro1335Gln; replaces proline 1335 with glutamine.
Molecular consequence: missense variant.
Genome position (GRCh38, 1-based): chr2:165,374,716, C>A. VCF-style: chr2-165374716-C-A. GRCh37 (hg19) VCF-style: chr2-166231226-C-A.
Other names: c.4004C>A, p.Pro1335Gln (NM_001040143.2, NM_001371246.1, NM_001371247.1 and 1 more transcripts); short protein forms P1335Q.
Identifiers: ClinVar variation 3349133 (VCV003349133.1).

ClinVar aggregate classification (germline): Likely pathogenic (0 of 4 stars; one submission).

Conditions:
SCN2A-related disorder. Also called: SCN2A-related condition; SCN2A-related disorders. Identifiers: MedGen CN382226, MONDO:1060245.

Submission:

PreventionGenetics, part of Exact Sciences
Classification: Likely pathogenic for SCN2A-related condition. Last evaluated: 2024-05-29. Review status: no assertion criteria provided. Collection method: clinical testing. Allele origin: germline.
Comment: The SCN2A c.4004C>A variant is predicted to result in the amino acid substitution p.Pro1335Gln. To our knowledge, this variant has not been reported in the literature or in a large population database, indicating it is rare. This region of SCN2A is constrained against missense variation in the general population (gnomAD), and neighboring missense variants have been associated with epilepsy (see for example, p.Ser1336Tyr, de novo, Nakamura et al. 2013. PubMed ID: 23935176). Taken together, the c.4004C>A (p.Pro1335Gln) variant is classified as likely pathogenic.